The following is an entry in ClinVar:

ClinVar aggregate classification (germline): Uncertain significance. Review status: criteria provided, multiple submitters, no conflicts (2 of 4 stars). 2 submissions from 2 submitters: Uncertain significance (2). Last evaluated 2026-04-07.

Conditions:
TTN-related disorder. Also called: TTN-related condition; TTN-related disease; TTN-related disorders.

gnomAD v4.1: 1 of 1,613,348 alleles (0.000062%); highest among the groups gnomAD compares: Non-Finnish European, 0.000085%; no homozygotes.

Submissions (2):

PreventionGenetics, part of Exact Sciences
Classification: Uncertain significance for TTN-related condition. Last evaluated: 2026-04-07. Review status: criteria provided, single submitter. Criteria: ACMG Guidelines, 2015. Collection method: clinical testing. Allele origin: germline.
Comment: The TTN c.22297G>A variant is predicted to result in the amino acid substitution p.Gly7433Arg. To our knowledge, this variant has not been reported in the literature or in a large population database (gnomAD), indicating this variant is rare. At this time, the clinical significance of this variant is uncertain due to the absence of conclusive functional and genetic evidence.

Revvity Omics, Revvity
Classification: Uncertain significance. Last evaluated: 2024-11-19. Review status: criteria provided, single submitter. Criteria: ACMG Guidelines, 2015. Collection method: clinical testing. Allele origin: germline.

NM_001267550.2(TTN):c.22297G>A (p.Gly7433Arg)

Gene: TTN (titin; minus strand). Cytogenetic location: 2q31.2.
Variant type: single nucleotide variant.
Coding change: c.22297G>A on transcript NM_001267550.2 (MANE Select); coding-DNA position 22297, G replaced by A.
Protein change: p.Gly7433Arg; replaces glycine 7433 with arginine.
Molecular consequence: missense variant. On other transcripts: intron variant (3).
Genome position (GRCh38, 1-based): chr2:178,722,490, C>T on the plus strand (G>A on the coding strand, the complement: TTN is on the minus strand). VCF-style: chr2-178722490-C-T. GRCh37 (hg19) VCF-style: chr2-179587217-C-T.
Other names: c.21346G>A, p.Gly7116Arg (NM_001256850.1); c.18565G>A, p.Gly6189Arg (NM_133378.4); c.13282+15592G>A (NM_003319.4); c.13858+15592G>A (NM_133437.4); c.13657+15592G>A (NM_133432.3); short protein forms G6189R, G7116R, G7433R.
Identifiers: ClinVar variation 4080669 (VCV004080669.2).
Genomic context (GRCh38, chr2:178,722,490, plus strand): 5'-ACCAGCACACTTGGATGGGTGCAGAGCCATTTAATCGACAAGTGAGTGTAACAGGTAACC[C>T]CACAGTTTGTTCAATGTCCTTTAATTGTCTTGCAAAAGAAGGTGGGAGTTGGCGCTCTGT-3'
Protein context (NP_001254479.2, residues 7423-7443): RQLKDIEQTV[Gly7433Arg]LPVTLTCRLN